The following is an entry in ClinVar:

ClinVar aggregate classification (germline): Uncertain significance. Review status: criteria provided, multiple submitters, no conflicts (2 of 4 stars). 2 submissions from 2 submitters: Uncertain significance (2). Last evaluated 2026-08-17.

Conditions:
Inborn genetic diseases. Identifiers: MedGen C0950123, MeSH D030342.

gnomAD v4.1: 3 of 1,538,378 alleles (0.0002%); highest among the groups gnomAD compares: African/African-American, 0.0014%; no homozygotes.

Submissions (2):

Ambry Genetics
Classification: Uncertain significance for Inborn genetic diseases. Last evaluated: 2026-08-17. Review status: criteria provided, single submitter. Criteria: Ambry Variant Classification Scheme 2023. Collection method: clinical testing. Allele origin: germline.

Labcorp Genetics (formerly Invitae), Labcorp
Classification: Uncertain significance. Last evaluated: 2025-11-04. Review status: criteria provided, single submitter. Criteria: Invitae Variant Classification Sherloc (09022015). Collection method: clinical testing. Allele origin: germline.
Comment: This sequence change replaces isoleucine, which is neutral and non-polar, with threonine, which is neutral and polar, at codon 48 of the COL9A3 protein (p.Ile48Thr). This variant is not present in population databases (gnomAD no frequency). This variant has not been reported in the literature in individuals affected with COL9A3-related conditions. Invitae Evidence Modeling of protein sequence and biophysical properties (such as structural, functional, and spatial information, amino acid conservation, physicochemical variation, residue mobility, and thermodynamic stability) indicates that this missense variant is not expected to disrupt COL9A3 protein function with a negative predictive value of 95%. In summary, the available evidence is currently insufficient to determine the role of this variant in disease. Therefore, it has been classified as a Variant of Uncertain Significance.

NM_001853.4(COL9A3):c.143T>C (p.Ile48Thr)

Gene: COL9A3 (collagen type IX alpha 3 chain; plus strand). Cytogenetic location: 20q13.33.
Variant type: single nucleotide variant.
Coding change: c.143T>C on transcript NM_001853.4 (MANE Select); coding-DNA position 143, T replaced by C.
Protein change: p.Ile48Thr; replaces isoleucine 48 with threonine.
Molecular consequence: missense variant.
Genome position (GRCh38, 1-based): chr20:62,817,631, T>C. VCF-style: chr20-62817631-T-C. GRCh37 (hg19) VCF-style: chr20-61448983-T-C.
Other names: c.143T>C (NM_001853.3); short protein forms I48T.
Identifiers: ClinVar variation 4696599 (VCV004696599.2).